The following is an entry in ClinVar:

ClinVar aggregate classification (germline): Likely benign (1 of 4 stars; one submission).

gnomAD v4.1: 6 of 1,614,186 alleles (0.00037%); highest among the groups gnomAD compares: Middle Eastern, 0.016%; no homozygotes.

Submission:

CeGaT Center for Human Genetics Tuebingen
Classification: Likely benign. Last evaluated: 2025-06-01. Review status: criteria provided, single submitter. Criteria: CeGaT Center For Human Genetics Tuebingen Variant Classification Criteria Version 2. Collection method: clinical testing. Allele origin: germline. Affected: yes. Observed: 1 variant allele.
Comment: KMT2C: BP4, BP7

NM_170606.3(KMT2C):c.345A>G (p.Glu115=)

Gene: KMT2C (lysine methyltransferase 2C; minus strand). Cytogenetic location: 7q36.1.
Variant type: single nucleotide variant.
Coding change: c.345A>G on transcript NM_170606.3 (MANE Select); coding-DNA position 345, A replaced by G.
Protein change: p.Glu115=; no amino-acid change (glutamic acid 115 retained).
Molecular consequence: synonymous variant.
Genome position (GRCh38, 1-based): chr7:152,330,645, T>C on the plus strand (A>G on the coding strand, the complement: KMT2C is on the minus strand). VCF-style: chr7-152330645-T-C. GRCh37 (hg19) VCF-style: chr7-152027730-T-C.
Identifiers: ClinVar variation 4085004 (VCV004085004.8).